The following is an entry in ClinVar:

NM_001145252.3(CFP):c.1348G>A (p.Glu450Lys)

Gene: CFP (complement factor properdin; minus strand). Cytogenetic location: Xp11.23.
Variant type: single nucleotide variant.
Coding change: c.1348G>A on transcript NM_001145252.3 (MANE Select); coding-DNA position 1348, G replaced by A.
Protein change: p.Glu450Lys; replaces glutamic acid 450 with lysine.
Molecular consequence: missense variant.
Genome position (GRCh38, 1-based): chrX:47,624,337, C>T on the plus strand (G>A on the coding strand, the complement: CFP is on the minus strand). VCF-style: chrX-47624337-C-T. GRCh37 (hg19) VCF-style: chrX-47483736-C-T.
Other names: c.1348G>A, p.Glu450Lys (NM_002621.2); short protein forms E450K.
Identifiers: ClinVar variation 1475486 (VCV001475486.6), dbSNP rs2147935556, ClinGen allele CA412834346.

ClinVar aggregate classification (germline): Uncertain significance (1 of 4 stars; one submission).

Submission:

Labcorp Genetics (formerly Invitae), Labcorp
Classification: Uncertain significance. Last evaluated: 2021-11-23. Review status: criteria provided, single submitter. Criteria: Invitae Variant Classification Sherloc (09022015). Collection method: clinical testing. Allele origin: germline.
Comment: This sequence change replaces glutamic acid, which is acidic and polar, with lysine, which is basic and polar, at codon 450 of the CFP protein (p.Glu450Lys). This variant is not present in population databases (gnomAD no frequency). This variant has not been reported in the literature in individuals affected with CFP-related conditions. Algorithms developed to predict the effect of missense changes on protein structure and function output the following: SIFT: "Tolerated"; PolyPhen-2: "Benign"; Align-GVGD: "Class C0". The lysine amino acid residue is found in multiple mammalian species, which suggests that this missense change does not adversely affect protein function. In summary, the available evidence is currently insufficient to determine the role of this variant in disease. Therefore, it has been classified as a Variant of Uncertain Significance.